The following is an entry in ClinVar:

ClinVar aggregate classification (germline): Uncertain significance. Review status: criteria provided, multiple submitters, no conflicts (2 of 4 stars). 3 submissions from 3 submitters: Uncertain significance (3). Last evaluated 2025-11-19.

Conditions:
Hereditary cancer-predisposing syndrome. Also called: Hereditary neoplastic syndrome; Tumor predisposition; Hereditary Cancer Syndrome; Neoplastic Syndromes, Hereditary. Identifiers: Orphanet 140162, MedGen C0027672, MeSH D009386, MONDO:0015356.
Ataxia-telangiectasia syndrome (AT). Also called: Cerebello-oculocutaneous telangiectasia; Immunodeficiency with ataxia telangiectasia; Ataxia telangiectasia (A-T); Ataxia-telangiectasia, complementation group E; LOUIS-BAR SYNDROME; Ataxia-telangiectasia. Identifiers: Orphanet 100, MedGen C0004135, MONDO:0008840, OMIM 208900.

Allele frequency attached by ClinVar (database versions not stated): gnomAD exomes below 0.00001.
gnomAD v4.1: 2 of 1,613,390 alleles (0.00012%); highest among the groups gnomAD compares: Admixed American, 0.0033%; no homozygotes.

Submissions (3):

Labcorp Genetics (formerly Invitae), Labcorp
Classification: Uncertain significance for Ataxia-telangiectasia syndrome. Last evaluated: 2025-11-19. Review status: criteria provided, single submitter. Criteria: Invitae Variant Classification Sherloc (09022015). Collection method: clinical testing. Allele origin: germline.
Comment: This sequence change replaces glycine, which is neutral and non-polar, with valine, which is neutral and non-polar, at codon 587 of the ATM protein (p.Gly587Val). This variant is not present in population databases (gnomAD no frequency). This variant has not been reported in the literature in individuals affected with ATM-related conditions. ClinVar contains an entry for this variant (Variation ID: 579082). Invitae Evidence Modeling of protein sequence and biophysical properties (such as structural, functional, and spatial information, amino acid conservation, physicochemical variation, residue mobility, and thermodynamic stability) indicates that this missense variant is not expected to disrupt ATM protein function with a negative predictive value of 95%. In summary, the available evidence is currently insufficient to determine the role of this variant in disease. Therefore, it has been classified as a Variant of Uncertain Significance.

Color Diagnostics, LLC DBA Color Health
Classification: Uncertain significance for Hereditary cancer-predisposing syndrome. Last evaluated: 2023-12-04. Review status: criteria provided, single submitter. Criteria: ACMG Guidelines, 2015. Collection method: clinical testing. Allele origin: germline.
Comment: This missense variant replaces glycine with valine at codon 587 of the ATM protein. Computational prediction suggests that this variant may not impact protein structure and function (internally defined REVEL score threshold <= 0.5, PMID: 27666373). To our knowledge, functional studies have not been reported for this variant. This variant has not been reported in individuals affected with ATM-related disorders in the literature. This variant has not been identified in the general population by the Genome Aggregation Database (gnomAD). The available evidence is insufficient to determine the role of this variant in disease conclusively. Therefore, this variant is classified as a Variant of Uncertain Significance.

Ambry Genetics
Classification: Uncertain significance for Hereditary cancer-predisposing syndrome. Last evaluated: 2023-11-22. Review status: criteria provided, single submitter. Criteria: Ambry Variant Classification Scheme 2023. Collection method: clinical testing. Allele origin: germline.
Comment: The p.G587V variant (also known as c.1760G>T), located in coding exon 10 of the ATM gene, results from a G to T substitution at nucleotide position 1760. The glycine at codon 587 is replaced by valine, an amino acid with dissimilar properties. This amino acid position is conserved. In addition, this alteration is predicted to be tolerated by in silico analysis. Since supporting evidence is limited at this time, the clinical significance of this alteration remains unclear.

NM_000051.4(ATM):c.1760G>T (p.Gly587Val)

Gene: ATM (ATM serine/threonine kinase; plus strand). Cytogenetic location: 11q22.3.
Variant type: single nucleotide variant.
Coding change: c.1760G>T on transcript NM_000051.4 (MANE Select); coding-DNA position 1760, G replaced by T.
Protein change: p.Gly587Val; replaces glycine 587 with valine.
Molecular consequence: missense variant.
Genome position (GRCh38, 1-based): chr11:108,251,989, G>T. VCF-style: chr11-108251989-G-T. GRCh37 (hg19) VCF-style: chr11-108122716-G-T.
Other names: c.1760G>T, p.Gly587Val (NM_001351834.2); short protein forms G587V.
Identifiers: ClinVar variation 579082 (VCV000579082.15), dbSNP rs1060501553, ClinGen allele CA382535411.